The following is an entry in ClinVar:

NC_000008.10:g.(?_86053597)_(87755855_?)dup

Genes: ATP6V0D2 (ATPase H+ transporting V0 subunit d2; plus strand), CA1 (carbonic anhydrase 1; minus strand), CA13 (carbonic anhydrase 13; plus strand), CA2 (carbonic anhydrase 2; plus strand), CA3 (carbonic anhydrase 3; plus strand) and 9 more. Cytogenetic location: 8q21.2-21.3.
Variant type: Duplication.
Identifiers: ClinVar variation 2426512 (VCV002426512.2).

ClinVar aggregate classification (germline): Uncertain significance (1 of 4 stars; one submission).

Submission:

Labcorp Genetics (formerly Invitae), Labcorp
Classification: Uncertain significance. Last evaluated: 2022-08-19. Review status: criteria provided, single submitter. Criteria: Invitae Variant Classification Sherloc (09022015). Collection method: clinical testing. Allele origin: germline.
Comment: A copy number gain of the genomic region encompassing the full coding sequence of the CNGB3 gene has been identified. The boundaries of this event are unknown as they extend beyond the assayed region for this gene and therefore may encompass additional genes. As the precise location of this event is unknown, it may be in tandem or it may be located elsewhere in the genome. This variant has not been reported in the literature in individuals affected with CNGB3-related conditions. In summary, the available evidence is currently insufficient to determine the role of this variant in disease. Therefore, it has been classified as a Variant of Uncertain Significance.